The following is an entry in ClinVar:

NM_006946.4(SPTBN2):c.229C>G (p.Arg77Gly)

Gene: SPTBN2 (spectrin beta, non-erythrocytic 2; minus strand). Cytogenetic location: 11q13.2.
Variant type: single nucleotide variant.
Coding change: c.229C>G on transcript NM_006946.4 (MANE Select); coding-DNA position 229, C replaced by G.
Protein change: p.Arg77Gly; replaces arginine 77 with glycine.
Molecular consequence: missense variant.
Genome position (GRCh38, 1-based): chr11:66,715,910, G>C on the plus strand (C>G on the coding strand, the complement: SPTBN2 is on the minus strand). VCF-style: chr11-66715910-G-C. GRCh37 (hg19) VCF-style: chr11-66483381-G-C.
Other names: c.250C>G, p.Arg84Gly (NM_001411025.1); short protein forms R77G, R84G.
Identifiers: ClinVar variation 3253453 (VCV003253453.2), dbSNP rs200956071.

ClinVar aggregate classification (germline): Uncertain significance (1 of 4 stars; one submission).

Submission:

GeneDx
Classification: Uncertain significance. Last evaluated: 2024-09-19. Review status: criteria provided, single submitter. Criteria: GeneDx Variant Classification Process June 2021. Collection method: clinical testing. Allele origin: germline.
Comment: Not observed at significant frequency in large population cohorts (gnomAD); In silico analysis supports that this missense variant has a deleterious effect on protein structure/function; Has not been previously published as pathogenic or benign to our knowledge